The following is an entry in ClinVar:

NM_007194.4(CHEK2):c.1177C>A (p.Pro393Thr)

Gene: CHEK2 (checkpoint kinase 2; minus strand). Cytogenetic location: 22q12.1.
Variant type: single nucleotide variant.
Coding change: c.1177C>A on transcript NM_007194.4 (MANE Select); coding-DNA position 1177, C replaced by A.
Protein change: p.Pro393Thr; replaces proline 393 with threonine.
Molecular consequence: missense variant.
Genome position (GRCh38, 1-based): chr22:28,695,792, G>T on the plus strand (C>A on the coding strand, the complement: CHEK2 is on the minus strand). VCF-style: chr22-28695792-G-T. GRCh37 (hg19) VCF-style: chr22-29091780-G-T.
Other names: c.514C>A, p.Pro172Thr (NM_001257387.3); c.976C>A, p.Pro326Thr (NM_001349956.3); c.1090C>A, p.Pro364Thr (NM_145862.3); c.1306C>A, p.Pro436Thr (NM_001005735.3); short protein forms P172T, P326T, P364T, P393T, P436T.
Identifiers: ClinVar variation 3360871 (VCV003360871.1).

ClinVar aggregate classification (germline): Uncertain significance (1 of 4 stars; one submission).

Submission:

GeneDx
Classification: Uncertain significance. Last evaluated: 2023-07-11. Review status: criteria provided, single submitter. Criteria: GeneDx Variant Classification Process June 2021. Collection method: clinical testing. Allele origin: germline. Affected: yes.
Comment: Not observed at significant frequency in large population cohorts (gnomAD); In silico analysis supports that this missense variant has a deleterious effect on protein structure/function; Has not been previously published as pathogenic or benign to our knowledge; This variant is associated with the following publications: (PMID: 22419737, 19782031)